The following is an entry in ClinVar:

ClinVar aggregate classification (germline): Uncertain significance (1 of 4 stars; one submission).

Submission:

Labcorp Genetics (formerly Invitae), Labcorp
Classification: Uncertain significance. Last evaluated: 2020-10-29. Review status: criteria provided, single submitter. Criteria: Invitae Variant Classification Sherloc (09022015). Collection method: clinical testing. Allele origin: germline.
Comment: This sequence change replaces aspartic acid with glycine at codon 1960 of the POLE protein (p.Asp1960Gly). The aspartic acid residue is weakly conserved and there is a moderate physicochemical difference between aspartic acid and glycine. This variant is not present in population databases (ExAC no frequency). This variant has not been reported in the literature in individuals with POLE-related conditions. Algorithms developed to predict the effect of missense changes on protein structure and function (SIFT, PolyPhen-2, Align-GVGD) all suggest that this variant is likely to be tolerated, but these predictions have not been confirmed by published functional studies and their clinical significance is uncertain. Algorithms developed to predict the effect of sequence changes on RNA splicing suggest that this variant may create or strengthen a splice site, but this prediction has not been confirmed by published transcriptional studies. In summary, the available evidence is currently insufficient to determine the role of this variant in disease. Therefore, it has been classified as a Variant of Uncertain Significance.

NM_006231.4(POLE):c.5879A>G (p.Asp1960Gly)

Gene: POLE (DNA polymerase epsilon, catalytic subunit; minus strand). Cytogenetic location: 12q24.33.
Variant type: single nucleotide variant.
Coding change: c.5879A>G on transcript NM_006231.4 (MANE Select); coding-DNA position 5879, A replaced by G.
Protein change: p.Asp1960Gly; replaces aspartic acid 1960 with glycine.
Molecular consequence: missense variant.
Genome position (GRCh38, 1-based): chr12:132,634,311, T>C on the plus strand (A>G on the coding strand, the complement: POLE is on the minus strand). VCF-style: chr12-132634311-T-C. GRCh37 (hg19) VCF-style: chr12-133210897-T-C.
Other names: short protein forms D1960G.
Identifiers: ClinVar variation 1014305 (VCV001014305.8), dbSNP rs2041992945, ClinGen allele CA387371684.